The following is an entry in ClinVar:

ClinVar aggregate classification (germline): Uncertain significance (1 of 4 stars; one submission).

Conditions:
Isolated microphthalmia 4. Identifiers: Orphanet 2542, MedGen C2751307, MONDO:0013130, OMIM 613094.
Klippel-Feil syndrome 1, autosomal dominant (KFS1). Also called: CERVICAL VERTEBRAL FUSION, AUTOSOMAL DOMINANT. Identifiers: Orphanet 2345, MedGen C1861689, MONDO:0007306, OMIM 118100.
Microphthalmia, isolated, with coloboma 6 (MCOPCB6). Also called: Microphthalmia with coloboma 6, digenic; Microphthalmia with coloboma 6; MICROPHTHALMIA/COLOBOMA 6. Identifiers: Orphanet 98938, MedGen C3150968, MONDO:0013376, OMIM 613703.
Leber congenital amaurosis 17 (LCA17). Identifiers: Orphanet 65, MedGen C3715164, MONDO:0014145, OMIM 615360.

Submission:

Labcorp Genetics (formerly Invitae), Labcorp
Classification: Uncertain significance for Isolated microphthalmia 4; Leber congenital amaurosis 17; Klippel-Feil syndrome 1, autosomal dominant; Microphthalmia, isolated, with coloboma 6. Last evaluated: 2021-07-15. Review status: criteria provided, single submitter. Criteria: Invitae Variant Classification Sherloc (09022015). Collection method: clinical testing. Allele origin: germline.
Comment: In summary, the available evidence is currently insufficient to determine the role of this variant in disease. Therefore, it has been classified as a Variant of Uncertain Significance. This variant has not been reported in the literature in individuals affected with GDF6-related conditions. Algorithms developed to predict the effect of missense changes on protein structure and function are either unavailable or do not agree on the potential impact of this missense change (SIFT: "Deleterious"; PolyPhen-2: "Possibly Damaging"; Align-GVGD: "Class C0"). This variant is not present in population databases (ExAC no frequency). This sequence change replaces lysine with threonine at codon 122 of the GDF6 protein (p.Lys122Thr). The lysine residue is moderately conserved and there is a moderate physicochemical difference between lysine and threonine.

NM_001001557.4(GDF6):c.365A>C (p.Lys122Thr)

Gene: GDF6 (growth differentiation factor 6; minus strand). Cytogenetic location: 8q22.1.
Variant type: single nucleotide variant.
Coding change: c.365A>C on transcript NM_001001557.4 (MANE Select); coding-DNA position 365, A replaced by C.
Protein change: p.Lys122Thr; replaces lysine 122 with threonine.
Molecular consequence: missense variant.
Genome position (GRCh38, 1-based): chr8:96,160,328, T>G on the plus strand (A>C on the coding strand, the complement: GDF6 is on the minus strand). VCF-style: chr8-96160328-T-G. GRCh37 (hg19) VCF-style: chr8-97172556-T-G.
Other names: short protein forms K122T.
Identifiers: ClinVar variation 1390684 (VCV001390684.8), dbSNP rs2130237421, ClinGen allele CA371753401.